The following is an entry in ClinVar:

ClinVar aggregate classification (germline): Uncertain significance. Review status: criteria provided, multiple submitters, no conflicts (2 of 4 stars). 2 submissions from 2 submitters: Uncertain significance (2). Last evaluated 2024-09-24.

Conditions:
Aortic valve disease 2 (AOVD2). Identifiers: MedGen C3542024, MONDO:0013902, OMIM 614823.

Submissions (2):

Labcorp Genetics (formerly Invitae), Labcorp
Classification: Uncertain significance for Aortic valve disease 2. Last evaluated: 2024-09-24. Review status: criteria provided, single submitter. Criteria: Invitae Variant Classification Sherloc (09022015). Collection method: clinical testing. Allele origin: germline.
Comment: This variant results in the deletion of part of exon 1 (c.806_817+19del) of the SMAD6 gene. It is expected to disrupt RNA splicing. Variants that disrupt the donor or acceptor splice site typically lead to a loss of protein function (PMID: 16199547), however the current clinical and genetic evidence is not sufficient to establish whether loss-of-function variants in SMAD6 cause disease. This variant is not present in population databases (gnomAD no frequency). This variant has not been reported in the literature in individuals affected with SMAD6-related conditions. ClinVar contains an entry for this variant (Variation ID: 2645478). In summary, the available evidence is currently insufficient to determine the role of this variant in disease. Therefore, it has been classified as a Variant of Uncertain Significance.

CeGaT Center for Human Genetics Tuebingen
Classification: Uncertain significance. Last evaluated: 2023-06-01. Review status: criteria provided, single submitter. Criteria: CeGaT Center For Human Genetics Tuebingen Variant Classification Criteria Version 2. Collection method: clinical testing. Allele origin: germline. Affected: yes. Observed: 1 variant allele.
Comment: SMAD6: PM2, PVS1:Moderate

Literature cited by the submitters: PubMed 16199547 (cited by Labcorp Genetics (formerly Invitae), Labcorp).

NM_005585.5(SMAD6):c.806_817+19del

Gene: SMAD6 (SMAD family member 6; plus strand). Cytogenetic location: 15q22.31.
Variant type: Deletion.
Coding change: c.806_817+19del on transcript NM_005585.5 (MANE Select); coding-DNA position 806 through 19 bases into the intron after coding-DNA position 817, 31 bases deleted.
Molecular consequence: splice donor variant.
Genome position (GRCh38, 1-based): chr15:66,704,064-66,704,094, 31 bases deleted; deleting any 31 consecutive bases within chr15:66,704,058-66,704,094 gives the same sequence; the c. name uses the placement nearest the transcript's 3' end. GRCh37 (hg19): chr15:66,996,402-66,996,432.
Identifiers: ClinVar variation 2645478 (VCV002645478.26), dbSNP rs2545313322, ClinGen allele CA2695197295.